The following is an entry in ClinVar:

NM_152384.3(BBS5):c.816+12A>G

Gene: BBS5 (Bardet-Biedl syndrome 5; plus strand). Cytogenetic location: 2q31.1.
Variant type: single nucleotide variant.
Coding change: c.816+12A>G on transcript NM_152384.3 (MANE Select); 12 bases into the intron after coding-DNA position 816, A replaced by G.
Molecular consequence: intron variant.
Genome position (GRCh38, 1-based): chr2:169,499,632, A>G. VCF-style: chr2-169499632-A-G. GRCh37 (hg19) VCF-style: chr2-170356142-A-G.
Identifiers: ClinVar variation 1461052 (VCV001461052.6), dbSNP rs764194396, ClinGen allele CA1956322.

ClinVar aggregate classification (germline): Uncertain significance (1 of 4 stars; one submission).

Conditions:
Bardet-Biedl syndrome (BBS). Identifiers: Orphanet 110, MedGen C0752166, MONDO:0015229.

Allele frequency attached by ClinVar (database versions not stated): ExAC 0.00002; gnomAD exomes 0.00002; gnomAD 0.00007 and 0.00008; TOPMed 0.00008.
gnomAD v4.1: 18 of 1,613,270 alleles (0.0011%); highest among the groups gnomAD compares: African/African-American, 0.021%; no homozygotes.

Submission:

Labcorp Genetics (formerly Invitae), Labcorp
Classification: Uncertain significance for Bardet-Biedl syndrome. Last evaluated: 2025-03-31. Review status: criteria provided, single submitter. Criteria: Invitae Variant Classification Sherloc (09022015). Collection method: clinical testing. Allele origin: germline.
Comment: This sequence change falls in intron 9 of the BBS5 gene. It does not directly change the encoded amino acid sequence of the BBS5 protein. This variant is present in population databases (rs764194396, gnomAD 0.02%). This variant has not been reported in the literature in individuals affected with BBS5-related conditions. ClinVar contains an entry for this variant (Variation ID: 1461052). Algorithms developed to predict the effect of sequence changes on RNA splicing suggest that this variant may create or strengthen a splice site. In summary, the available evidence is currently insufficient to determine the role of this variant in disease. Therefore, it has been classified as a Variant of Uncertain Significance.